The following is an entry in ClinVar:

ClinVar aggregate classification (germline): Benign. Review status: criteria provided, multiple submitters, no conflicts (2 of 4 stars). 2 submissions from 2 submitters: Benign (2). Last evaluated 2026-09-01.

Allele frequency attached by ClinVar (database versions not stated): 1000 Genomes Project 30x 0.00062; 1000 Genomes Project 0.00080; TOPMed 0.00190; gnomAD 0.00204 and 0.00220; gnomAD exomes 0.00216.
gnomAD v4.1: 869 of 398,624 alleles (0.22%); highest among the groups gnomAD compares: Middle Eastern, 0.82%; 1 homozygote.

Submissions (2):

CeGaT Center for Human Genetics Tuebingen
Classification: Benign. Last evaluated: 2026-09-01. Review status: criteria provided, single submitter. Criteria: CeGaT Center For Human Genetics Tuebingen Variant Classification Criteria Version 2. Collection method: clinical testing. Allele origin: germline. Affected: yes. Observed: 35 variant alleles.
Comment: KCNQ1OT1: BS1, BS2

Blueprint Genetics
Classification: Benign. Last evaluated: 2024-11-26. Review status: criteria provided, single submitter. Criteria: ACMG Guidelines, 2015. Collection method: clinical testing. Allele origin: germline.

NM_000218.3(KCNQ1):c.1514+29660G>A

Genes: KCNQ1 (potassium voltage-gated channel subfamily Q member 1; plus strand), KCNQ1OT1 (KCNQ1 opposite strand/antisense transcript 1; minus strand). Cytogenetic location: 11p15.5.
Variant type: single nucleotide variant.
Coding change: c.1514+29660G>A on transcript NM_000218.3 (MANE Select); 29660 bases into the intron after coding-DNA position 1514, G replaced by A.
Molecular consequence: intron variant.
Genome position (GRCh38, 1-based): chr11:2,691,741, G>A. VCF-style: chr11-2691741-G-A. GRCh37 (hg19) VCF-style: chr11-2712971-G-A.
Other names: c.1244+29660G>A (NM_001406837.1); c.1418+29660G>A (NM_001406836.1); c.974+29660G>A (NM_001406838.1); c.1133+29660G>A (NM_181798.2).
Identifiers: ClinVar variation 1694626 (VCV001694626.32), dbSNP rs148467972, ClinGen allele CA216193096.